The following is an entry in ClinVar:

NM_000051.4(ATM):c.3077+12C>A

Gene: ATM (ATM serine/threonine kinase; plus strand). Cytogenetic location: 11q22.3.
Variant type: single nucleotide variant.
Coding change: c.3077+12C>A on transcript NM_000051.4 (MANE Select); 12 bases into the intron after coding-DNA position 3077, C replaced by A.
Molecular consequence: intron variant.
Genome position (GRCh38, 1-based): chr11:108,271,418, C>A. VCF-style: chr11-108271418-C-A. GRCh37 (hg19) VCF-style: chr11-108142145-C-A.
Other names: c.3077+12C>A (NM_001351834.2).
Identifiers: ClinVar variation 2744674 (VCV002744674.3), dbSNP rs2081578131, ClinGen allele CA2697558916.

ClinVar aggregate classification (germline): Uncertain significance (1 of 4 stars; one submission).

Conditions:
Ataxia-telangiectasia syndrome (AT). Also called: AT, COMPLEMENTATION GROUP C; Ataxia-telangiectasia, complementation group D; ATAXIA-TELANGIECTASIA, COMPLEMENTATION GROUP A; ATAXIA-TELANGIECTASIA, FRESNO VARIANT; Ataxia-telangiectasia; Ataxia telangiectasia (A-T). Identifiers: Orphanet 100, MedGen C0004135, MONDO:0008840, OMIM 208900.

Submission:

Labcorp Genetics (formerly Invitae), Labcorp
Classification: Uncertain significance for Ataxia-telangiectasia syndrome. Last evaluated: 2023-07-18. Review status: criteria provided, single submitter. Criteria: Invitae Variant Classification Sherloc (09022015). Collection method: clinical testing. Allele origin: germline.
Comment: In summary, the available evidence is currently insufficient to determine the role of this variant in disease. Therefore, it has been classified as a Variant of Uncertain Significance. Algorithms developed to predict the effect of sequence changes on RNA splicing suggest that this variant may create or strengthen a splice site. This variant has not been reported in the literature in individuals affected with ATM-related conditions. This variant is not present in population databases (gnomAD no frequency). This sequence change falls in intron 20 of the ATM gene. It does not directly change the encoded amino acid sequence of the ATM protein.